The following is an entry in ClinVar:

ClinVar aggregate classification (germline): Uncertain significance. Review status: criteria provided, multiple submitters, no conflicts (2 of 4 stars). 2 submissions from 2 submitters: Uncertain significance (2). Last evaluated 2023-09-13.

Conditions:
Inborn genetic diseases. Identifiers: MedGen C0950123, MeSH D030342.
Dihydropteridine reductase deficiency (HPABH4C). Also called: BH4-Deficient Hyperphenylalaninemia C; HYPERPHENYLALANINEMIA, TETRAHYDROBIOPTERIN-DEFICIENT, DUE TO DHPR DEFICIENCY; QDPR DEFICIENCY; QUINOID DIHYDROPTERIDINE REDUCTASE DEFICIENCY; Phenylketonuria II; Hyperphenylalaninemia due to dihydropteridine reductase deficiency. Identifiers: Orphanet 226, Orphanet 238583, MedGen C0268465, MONDO:0009862, OMIM 261630.

Allele frequency attached by ClinVar (database versions not stated): ExAC 0.00002; gnomAD 0.00002; TOPMed 0.00002; gnomAD exomes 0.00008.

Submissions (2):

Ambry Genetics
Classification: Uncertain significance for Inborn genetic diseases. Last evaluated: 2023-09-13. Review status: criteria provided, single submitter. Criteria: Ambry Variant Classification Scheme 2023. Collection method: clinical testing. Allele origin: germline.

Labcorp Genetics (formerly Invitae), Labcorp
Classification: Uncertain significance for Dihydropteridine reductase deficiency. Last evaluated: 2022-02-03. Review status: criteria provided, single submitter. Criteria: Invitae Variant Classification Sherloc (09022015). Collection method: clinical testing. Allele origin: germline.
Comment: This sequence change replaces glycine, which is neutral and non-polar, with arginine, which is basic and polar, at codon 129 of the QDPR protein (p.Gly129Arg). This variant is present in population databases (rs763771086, gnomAD 0.007%). This variant has not been reported in the literature in individuals affected with QDPR-related conditions. Algorithms developed to predict the effect of missense changes on protein structure and function (SIFT, PolyPhen-2, Align-GVGD) all suggest that this variant is likely to be disruptive. In summary, the available evidence is currently insufficient to determine the role of this variant in disease. Therefore, it has been classified as a Variant of Uncertain Significance.

NM_000320.3(QDPR):c.385G>A (p.Gly129Arg)

Gene: QDPR (quinoid dihydropteridine reductase; minus strand). Cytogenetic location: 4p15.32.
Variant type: single nucleotide variant.
Coding change: c.385G>A on transcript NM_000320.3 (MANE Select); coding-DNA position 385, G replaced by A.
Protein change: p.Gly129Arg; replaces glycine 129 with arginine.
Molecular consequence: missense variant. On other transcripts: non-coding transcript variant (1).
Genome position (GRCh38, 1-based): chr4:17,501,770, C>T on the plus strand (G>A on the coding strand, the complement: QDPR is on the minus strand). VCF-style: chr4-17501770-C-T. GRCh37 (hg19) VCF-style: chr4-17503393-C-T.
Other names: c.385G>A (NM_000320.2); c.292G>A, p.Gly98Arg (NM_001306140.2); short protein forms G129R, G98R.
Identifiers: ClinVar variation 2058976 (VCV002058976.3), dbSNP rs763771086, ClinGen allele CA2868135.